The following is an entry in ClinVar:

ClinVar aggregate classification (germline): Benign/Likely benign. Review status: criteria provided, multiple submitters, no conflicts (2 of 4 stars). 4 submissions from 4 submitters: Benign (1); Likely benign (2). 1 of the submissions does not count toward it. Last evaluated 2025-12-15.

Conditions:
Combined oxidative phosphorylation defect type 14. Also called: Combined oxidative phosphorylation deficiency 14. Identifiers: Orphanet 319519, MedGen C4755312, MONDO:0013986, OMIM 614946.
FARS2-related disorder. Also called: FARS2-related disorders; FARS2-related condition.

Allele frequency attached by ClinVar (database versions not stated): gnomAD exomes 0.00006 and 0.00012; gnomAD 0.00011 and 0.00012; TOPMed 0.00011; ExAC 0.00012; 1000 Genomes Project 30x 0.00016; 1000 Genomes Project 0.00020.
gnomAD v4.1: 115 of 1,614,110 alleles (0.0071%); highest among the groups gnomAD compares: Middle Eastern, 0.2%; no homozygotes.

Submissions (4):

Labcorp Genetics (formerly Invitae), Labcorp
Classification: Likely benign for Combined oxidative phosphorylation defect type 14. Last evaluated: 2025-12-15. Review status: criteria provided, single submitter. Criteria: Invitae Variant Classification Sherloc (09022015). Collection method: clinical testing. Allele origin: germline.

Blueprint Genetics
Classification: Likely benign. Last evaluated: 2024-02-28. Review status: criteria provided, single submitter. Criteria: ACMG Guidelines, 2015. Collection method: clinical testing. Allele origin: germline.

Wong Mito Lab, Molecular and Human Genetics, Baylor College of Medicine
Classification: Benign for Combined oxidative phosphorylation deficiency 14. Last evaluated: 2018-06-13. Review status: criteria provided, single submitter. Criteria: ACMG Guidelines, 2015. Collection method: clinical testing. Allele origin: germline.

PreventionGenetics, part of Exact Sciences
Classification: Likely benign for FARS2-related condition. Last evaluated: 2019-05-28. Review status: no assertion criteria provided. Collection method: clinical testing. Allele origin: germline. Not counted in ClinVar's aggregate classification.
Comment: This variant is classified as likely benign based on ACMG/AMP sequence variant interpretation guidelines (Richards et al. 2015 PMID: 25741868, with internal and published modifications).

NM_006567.5(FARS2):c.1014C>T (p.Arg338=)

Gene: FARS2 (phenylalanyl-tRNA synthetase 2, mitochondrial; plus strand). Cytogenetic location: 6p25.1.
Variant type: single nucleotide variant.
Coding change: c.1014C>T on transcript NM_006567.5 (MANE Select); coding-DNA position 1014, C replaced by T.
Protein change: p.Arg338=; no amino-acid change (arginine 338 retained).
Molecular consequence: synonymous variant.
Genome position (GRCh38, 1-based): chr6:5,545,289, C>T. VCF-style: chr6-5545289-C-T. GRCh37 (hg19) VCF-style: chr6-5545522-C-T.
Other names: c.1014C>T, p.Arg338= (NM_001318872.2, NM_001374875.1, NM_001374876.1 and 4 more transcripts); c.882C>T, p.Arg294= (NM_001375258.1); c.318C>T, p.Arg106= (NM_001375259.1, NM_001375260.1).
Identifiers: ClinVar variation 587662 (VCV000587662.13), dbSNP rs41302855, ClinGen allele CA3623854.